The following is an entry in ClinVar:

ClinVar aggregate classification (germline): Uncertain significance (1 of 4 stars; one submission).

Conditions:
Hereditary cancer-predisposing syndrome. Also called: Neoplastic Syndromes, Hereditary; Tumor predisposition; Hereditary Cancer Syndrome; Hereditary neoplastic syndrome. Identifiers: Orphanet 140162, MedGen C0027672, MeSH D009386, MONDO:0015356.

Submission:

Ambry Genetics
Classification: Uncertain significance for Hereditary cancer-predisposing syndrome. Last evaluated: 2024-08-16. Review status: criteria provided, single submitter. Criteria: Ambry Variant Classification Scheme 2023. Collection method: clinical testing. Allele origin: germline.
Comment: The p.A1759S variant (also known as c.5275G>T), located in coding exon 15 of the APC gene, results from a G to T substitution at nucleotide position 5275. The alanine at codon 1759 is replaced by serine, an amino acid with similar properties. This amino acid position is conserved. In addition, in silico predictors for this gene do not accurately predict pathogenicity. Based on the available evidence, the clinical significance of this variant remains unclear.

NM_000038.6(APC):c.5275G>T (p.Ala1759Ser)

Gene: APC (APC regulator of Wnt signaling pathway; plus strand). Cytogenetic location: 5q22.2.
Variant type: single nucleotide variant.
Coding change: c.5275G>T on transcript NM_000038.6 (MANE Select); coding-DNA position 5275, G replaced by T.
Protein change: p.Ala1759Ser; replaces alanine 1759 with serine.
Molecular consequence: missense variant. On other transcripts: non-coding transcript variant (2).
Genome position (GRCh38, 1-based): chr5:112,840,869, G>T. VCF-style: chr5-112840869-G-T. GRCh37 (hg19) VCF-style: chr5-112176566-G-T.
Other names: c.4972G>T, p.Ala1658Ser (NM_001407459.1, NM_001407460.1, NM_001354903.2 and 1 more transcripts); c.4888G>T, p.Ala1630Ser (NM_001407467.1, NM_001407469.1); c.4123G>T, p.Ala1375Ser (NM_001407471.1, NM_001407472.1); c.4426G>T, p.Ala1476Ser (NM_001407470.1, NM_001354906.2); c.5275G>T, p.Ala1759Ser (NM_001127510.3, NM_001354895.2, NM_001407450.1); c.5221G>T, p.Ala1741Ser (NM_001127511.3); c.5329G>T, p.Ala1777Ser (NM_001354896.2, NM_001407447.1, NM_001407448.1 and 1 more transcripts); c.5305G>T, p.Ala1769Ser (NM_001354897.2); and 11 more; short protein forms A1676S, A1718S, A1734S, A1741S, A1777S, A1787S, A1731S, A1769S.
Identifiers: ClinVar variation 3410243 (VCV003410243.1).
Genomic context (GRCh38, chr5:112,840,869, plus strand): 5'-AAGCCTTTCCGTGTGAAAAAGATAATGGACCAGGTCCAGCAAGCATCTGCGTCTTCTTCT[G>T]CACCCAACAAAAATCAGTTAGATGGTAAGAAAAAGAAACCAACTTCACCAGTAAAACCTA-3'
Protein context (NP_000029.2, residues 1749-1769): QVQQASASSS[Ala1759Ser]PNKNQLDGKK